The following is an entry in ClinVar:

NM_000179.3(MSH6):c.3287A>G (p.His1096Arg)

Gene: MSH6 (mutS homolog 6; plus strand). Cytogenetic location: 2p16.3.
Variant type: single nucleotide variant.
Coding change: c.3287A>G on transcript NM_000179.3 (MANE Select); coding-DNA position 3287, A replaced by G.
Protein change: p.His1096Arg; replaces histidine 1096 with arginine.
Molecular consequence: missense variant. On other transcripts: non-coding transcript variant (5), intron variant (1).
Genome position (GRCh38, 1-based): chr2:47,803,534, A>G. VCF-style: chr2-47803534-A-G. GRCh37 (hg19) VCF-style: chr2-48030673-A-G.
Other names: c.2897A>G, p.His966Arg (NM_001281492.2); c.2381A>G, p.His794Arg (NM_001281493.2, NM_001281494.2, NM_001406811.1 and 6 more transcripts); c.3383A>G, p.His1128Arg (NM_001406795.1, NM_001406802.1); c.3287A>G, p.His1096Arg (NM_001406796.1, NM_001406800.1, NM_001406808.1 and 1 more transcripts); c.2990A>G, p.His997Arg (NM_001406797.1, NM_001406801.1, NM_001406805.1 and 10 more transcripts); c.2762A>G, p.His921Arg (NM_001406799.1, NM_001406806.1, NM_001406807.1); c.2423A>G, p.His808Arg (NM_001406803.1); c.3209A>G, p.His1070Arg (NM_001406804.1); and 7 more; short protein forms H1098R, H1128R, H808R, H966R, H1096R, H411R, H574R, H1040R.
Identifiers: ClinVar variation 3398969 (VCV003398969.3).

ClinVar aggregate classification (germline): Uncertain significance. Review status: criteria provided, multiple submitters, no conflicts (2 of 4 stars). 2 submissions from 2 submitters: Uncertain significance (2). Last evaluated 2024-11-23.

Conditions:
Hereditary nonpolyposis colorectal neoplasms. Identifiers: MedGen C0009405, MeSH D003123.
Hereditary cancer-predisposing syndrome. Also called: Hereditary Cancer Syndrome; Tumor predisposition; Hereditary neoplastic syndrome; Neoplastic Syndromes, Hereditary. Identifiers: Orphanet 140162, MedGen C0027672, MeSH D009386, MONDO:0015356.

gnomAD v4.1: 2 of 1,614,134 alleles (0.00012%); highest among the groups gnomAD compares: Admixed American, 0.0033%; no homozygotes.

Submissions (2):

Ambry Genetics
Classification: Uncertain significance for Hereditary cancer-predisposing syndrome. Last evaluated: 2024-11-23. Review status: criteria provided, single submitter. Criteria: Ambry Variant Classification Scheme 2023. Collection method: clinical testing. Allele origin: germline.
Comment: The p.H1096R variant (also known as c.3287A>G), located in coding exon 5 of the MSH6 gene, results from an A to G substitution at nucleotide position 3287. The histidine at codon 1096 is replaced by arginine, an amino acid with highly similar properties. This amino acid position is conserved. In addition, this alteration is predicted to be deleterious by in silico analysis. Based on the available evidence, the clinical significance of this variant remains unclear.

Labcorp Genetics (formerly Invitae), Labcorp
Classification: Uncertain significance for Hereditary nonpolyposis colorectal neoplasms. Last evaluated: 2024-03-16. Review status: criteria provided, single submitter. Criteria: Invitae Variant Classification Sherloc (09022015). Collection method: clinical testing. Allele origin: germline.
Comment: This sequence change replaces histidine, which is basic and polar, with arginine, which is basic and polar, at codon 1096 of the MSH6 protein (p.His1096Arg). This variant is present in population databases (rs760861610, gnomAD 0.006%). This variant has not been reported in the literature in individuals affected with MSH6-related conditions. Advanced modeling of protein sequence and biophysical properties (such as structural, functional, and spatial information, amino acid conservation, physicochemical variation, residue mobility, and thermodynamic stability) performed at Invitae indicates that this missense variant is expected to disrupt MSH6 protein function with a positive predictive value of 95%. In summary, the available evidence is currently insufficient to determine the role of this variant in disease. Therefore, it has been classified as a Variant of Uncertain Significance.